The following is an entry in ClinVar:

ClinVar aggregate classification (germline): Uncertain significance (1 of 4 stars; one submission).

Conditions:
Spinocerebellar ataxia type 19/22 (SCA19). Also called: SPINOCEREBELLAR ATAXIA 22; SPINOCEREBELLAR ATAXIA 19. Identifiers: Orphanet 98772, MedGen C1846367, MONDO:0011819, OMIM 607346.

Allele frequency attached by ClinVar (database versions not stated): TOPMed below 0.00001.
gnomAD v4.1: 10 of 1,611,442 alleles (0.00062%); highest among the groups gnomAD compares: Non-Finnish European, 0.00068%; no homozygotes.

Submission:

Labcorp Genetics (formerly Invitae), Labcorp
Classification: Uncertain significance for Spinocerebellar ataxia type 19/22. Last evaluated: 2019-10-17. Review status: criteria provided, single submitter. Criteria: Invitae Variant Classification Sherloc (09022015). Collection method: clinical testing. Allele origin: germline.
Comment: In summary, the available evidence is currently insufficient to determine the role of this variant in disease. Therefore, it has been classified as a Variant of Uncertain Significance. Algorithms developed to predict the effect of missense changes on protein structure and function (SIFT, PolyPhen-2, Align-GVGD) all suggest that this variant is likely to be disruptive, but these predictions have not been confirmed by published functional studies and their clinical significance is uncertain. This variant has not been reported in the literature in individuals with KCND3-related conditions. This variant is present in population databases (rs754042199, ExAC 0.006%). This sequence change replaces arginine with glycine at codon 86 of the KCND3 protein (p.Arg86Gly). The arginine residue is highly conserved and there is a moderate physicochemical difference between arginine and glycine.

NM_001378969.1(KCND3):c.256C>G (p.Arg86Gly)

Gene: KCND3 (potassium voltage-gated channel subfamily D member 3; minus strand). Cytogenetic location: 1p13.2.
Variant type: single nucleotide variant.
Coding change: c.256C>G on transcript NM_001378969.1 (MANE Select); coding-DNA position 256, C replaced by G.
Protein change: p.Arg86Gly; replaces arginine 86 with glycine.
Molecular consequence: missense variant.
Genome position (GRCh38, 1-based): chr1:111,982,471, G>C on the plus strand (C>G on the coding strand, the complement: KCND3 is on the minus strand). VCF-style: chr1-111982471-G-C. GRCh37 (hg19) VCF-style: chr1-112525093-G-C.
Other names: c.256C>G, p.Arg86Gly (NM_001378970.1, NM_004980.5, NM_172198.3); short protein forms R86G.
Identifiers: ClinVar variation 967961 (VCV000967961.9), dbSNP rs754042199, ClinGen allele CA1007626.